The following is an entry in ClinVar:

NM_000719.7(CACNA1C):c.5116_5118del (p.His1706del)

Genes: CACNA1C (calcium voltage-gated channel subunit alpha1 C; plus strand), CACNA1C-AS1 (CACNA1C antisense RNA 1; minus strand). Cytogenetic location: 12p13.33.
Variant type: Deletion.
Coding change: c.5116_5118del on transcript NM_000719.7 (MANE Select); coding-DNA positions 5116 to 5118, 3 bases deleted (CAC; older notation c.5116_5118delCAC).
Protein change: p.His1706del; deletes histidine 1706.
Genome position (GRCh38, 1-based): chr12:2,679,468-2,679,470, CAC deleted; deleting any 3 consecutive bases within chr12:2,679,466-2,679,470 gives the same sequence; the c. name uses the placement nearest the transcript's 3' end. VCF-style (leftmost placement, unchanged base first): chr12-2679465-AACC-A. GRCh37 (hg19) VCF-style: chr12-2788631-AACC-A.
Other names: c.5173_5175del, p.His1725del (NM_001129833.2, NM_001129834.2, NM_001129835.2); c.5167_5169del, p.His1723del (NM_001129836.2); c.5140_5142del, p.His1714del (NM_001129837.2, NM_001129838.2); c.5134_5136del, p.His1712del (NM_001129839.2); c.5116_5118del, p.His1706del (NM_001129840.2, NM_001129841.2, NM_001129842.2 and 4 more transcripts); c.5107_5109del, p.His1703del (NM_001129844.2); c.5083_5085del, p.His1695del (NM_001129846.2, NM_001167625.2); c.5260_5262del, p.His1754del (NM_199460.4, NM_001129827.2); and 3 more; short protein forms H1734del, H1695del, H1706del, H1703del, H1712del, H1714del, H1723del, H1725del.
Identifiers: ClinVar variation 3657190 (VCV003657190.2).
Genomic context (GRCh38, chr12:2,679,465, plus strand): 5'-TAAGGGGCTTCTCCACCCACCCCTCCTTCTTGCCTACAGAGGGCCGGTGGCCTGTTCGGC[AACC>A]ACGTCAGCTACTACCAAAGCGACGGCCGGAGCGCCTTCCCCCAGACCTTCACCACTCAGC-3'

ClinVar aggregate classification (germline): Uncertain significance (1 of 4 stars; one submission).

Conditions:
Long QT syndrome (LQTS). Identifiers: MedGen C0023976, MeSH D008133, MONDO:0002442. Disease mechanism: loss of function. Inheritance: Various modes of inheritance.

Submission:

Labcorp Genetics (formerly Invitae), Labcorp
Classification: Uncertain significance for Long QT syndrome. Last evaluated: 2024-09-23. Review status: criteria provided, single submitter. Criteria: Invitae Variant Classification Sherloc (09022015). Collection method: clinical testing. Allele origin: germline.
Comment: This variant, c.5116_5118del, results in the deletion of 1 amino acid(s) of the CACNA1C protein (p.His1706del), but otherwise preserves the integrity of the reading frame. This variant is not present in population databases (gnomAD no frequency). This variant has not been reported in the literature in individuals affected with CACNA1C-related conditions. Experimental studies and prediction algorithms are not available or were not evaluated, and the functional significance of this variant is currently unknown. In summary, the available evidence is currently insufficient to determine the role of this variant in disease. Therefore, it has been classified as a Variant of Uncertain Significance.